The following is an entry in ClinVar:

ClinVar aggregate classification (germline): Uncertain significance (1 of 4 stars; one submission).

Submission:

GeneDx
Classification: Uncertain significance. Last evaluated: 2022-10-10. Review status: criteria provided, single submitter. Criteria: GeneDx Variant Classification Process June 2021. Collection method: clinical testing. Allele origin: germline. Affected: yes.
Comment: Not observed at significant frequency in large population cohorts (gnomAD); Missense variants in this gene are often considered pathogenic (HGMD); In silico analysis supports that this missense variant has a deleterious effect on protein structure/function; Has not been previously published as pathogenic or benign to our knowledge; This variant is associated with the following publications: (PMID: 29493581, 24077912)

NM_004333.6(BRAF):c.1726G>T (p.Asp576Tyr)

Gene: BRAF (B-Raf proto-oncogene, serine/threonine kinase; minus strand). Cytogenetic location: 7q34.
Variant type: single nucleotide variant.
Coding change: c.1726G>T on transcript NM_004333.6 (MANE Select); coding-DNA position 1726, G replaced by T.
Protein change: p.Asp576Tyr; replaces aspartic acid 576 with tyrosine.
Molecular consequence: missense variant.
Genome position (GRCh38, 1-based): chr7:140,754,202, C>A on the plus strand (G>T on the coding strand, the complement: BRAF is on the minus strand). VCF-style: chr7-140754202-C-A. GRCh37 (hg19) VCF-style: chr7-140454002-C-A.
Other names: c.1726G>T, p.Asp576Tyr (NM_001354609.2, NM_001378468.1, NM_001378474.1); c.1846G>T, p.Asp616Tyr (NM_001374244.1, NM_001374258.1); c.1735G>T, p.Asp579Tyr (NM_001378467.1); c.1660G>T, p.Asp554Tyr (NM_001378469.1); c.1624G>T, p.Asp542Tyr (NM_001378470.1); c.1615G>T, p.Asp539Tyr (NM_001378471.1); c.1570G>T, p.Asp524Tyr (NM_001378472.1, NM_001378473.1); c.1462G>T, p.Asp488Tyr (NM_001378475.1); short protein forms D576Y, D488Y, D524Y, D539Y, D542Y, D554Y, D579Y, D616Y.
Identifiers: ClinVar variation 372671 (VCV000372671.2), dbSNP rs1057517915, ClinGen allele CA16042665.